The following is an entry in ClinVar:

NM_001330588.2(TPP2):c.139G>A (p.Val47Ile)

Gene: TPP2 (tripeptidyl peptidase 2; plus strand). Cytogenetic location: 13q33.1.
Variant type: single nucleotide variant.
Coding change: c.139G>A on transcript NM_001330588.2 (MANE Select); coding-DNA position 139, G replaced by A.
Protein change: p.Val47Ile; replaces valine 47 with isoleucine.
Molecular consequence: missense variant. On other transcripts: non-coding transcript variant (1).
Genome position (GRCh38, 1-based): chr13:102,597,177, G>A. VCF-style: chr13-102597177-G-A. GRCh37 (hg19) VCF-style: chr13-103249527-G-A.
Other names: c.139G>A, p.Val47Ile (NM_001367947.1, NM_003291.4); c.139G>A (NM_003291.2); short protein forms V47I.
Identifiers: ClinVar variation 3694432 (VCV003694432.2).

ClinVar aggregate classification (germline): Uncertain significance. Review status: criteria provided, multiple submitters, no conflicts (2 of 4 stars). 2 submissions from 2 submitters: Uncertain significance (2). Last evaluated 2025-10-23.

Conditions:
Inborn genetic diseases. Identifiers: MedGen C0950123, MeSH D030342.
Evans syndrome, immunodeficiency, and premature immunosenescence associated with tripeptidyl-peptidase II deficiency. Identifiers: MedGen CN231723. Disease mechanism: loss of function.

Submissions (2):

Ambry Genetics
Classification: Uncertain significance for Inborn genetic diseases. Last evaluated: 2025-10-23. Review status: criteria provided, single submitter. Criteria: Ambry Variant Classification Scheme 2023. Collection method: clinical testing. Allele origin: germline.

Labcorp Genetics (formerly Invitae), Labcorp
Classification: Uncertain significance for Evans syndrome, immunodeficiency, and premature immunosenescence associated with tripeptidyl-peptidase II deficiency. Last evaluated: 2024-04-05. Review status: criteria provided, single submitter. Criteria: Invitae Variant Classification Sherloc (09022015). Collection method: clinical testing. Allele origin: germline.
Comment: This sequence change replaces valine, which is neutral and non-polar, with isoleucine, which is neutral and non-polar, at codon 47 of the TPP2 protein (p.Val47Ile). This variant is not present in population databases (gnomAD no frequency). This variant has not been reported in the literature in individuals affected with TPP2-related conditions. An algorithm developed to predict the effect of missense changes on protein structure and function (PolyPhen-2) suggests that this variant is likely to be disruptive. In summary, the available evidence is currently insufficient to determine the role of this variant in disease. Therefore, it has been classified as a Variant of Uncertain Significance.